The following is an entry in ClinVar:

ClinVar aggregate classification (germline): Uncertain significance (1 of 4 stars; one submission).

Conditions:
Hereditary cancer-predisposing syndrome. Also called: Tumor predisposition; Hereditary neoplastic syndrome; Hereditary Cancer Syndrome; Neoplastic Syndromes, Hereditary. Identifiers: Orphanet 140162, MedGen C0027672, MeSH D009386, MONDO:0015356.

Submission:

Ambry Genetics
Classification: Uncertain significance for Hereditary cancer-predisposing syndrome. Last evaluated: 2025-04-17. Review status: criteria provided, single submitter. Criteria: Ambry Variant Classification Scheme 2023. Collection method: clinical testing. Allele origin: germline.
Comment: The p.A152V variant (also known as c.455C>T), located in coding exon 5 of the RAD51D gene, results from a C to T substitution at nucleotide position 455. The alanine at codon 152 is replaced by valine, an amino acid with similar properties. This amino acid position is not well conserved in available vertebrate species. In addition, the in silico prediction for this alteration is inconclusive. Based on the available evidence, the clinical significance of this variant remains unclear.

NM_002878.4(RAD51D):c.455C>T (p.Ala152Val)

Genes: RAD51D (RAD51 paralog D; minus strand), RAD51L3-RFFL (RAD51L3-RFFL readthrough; minus strand). Cytogenetic location: 17q12.
Variant type: single nucleotide variant.
Coding change: c.455C>T on transcript NM_002878.4 (MANE Select); coding-DNA position 455, C replaced by T.
Protein change: p.Ala152Val; replaces alanine 152 with valine.
Molecular consequence: missense variant. On other transcripts: non-coding transcript variant (1), intron variant (1).
Genome position (GRCh38, 1-based): chr17:35,107,013, G>A on the plus strand (C>T on the coding strand, the complement: RAD51D is on the minus strand). VCF-style: chr17-35107013-G-A. GRCh37 (hg19) VCF-style: chr17-33434032-G-A.
Other names: c.515C>T, p.Ala172Val (NM_001142571.2); c.145-532C>T (NM_133629.3); short protein forms A172V, A152V.
Identifiers: ClinVar variation 3942381 (VCV003942381.1).